The following is an entry in ClinVar:

ClinVar aggregate classification (germline): Uncertain significance (1 of 4 stars; one submission).

Conditions:
Cardiovascular phenotype. Identifiers: MedGen CN230736.

Submission:

Ambry Genetics
Classification: Uncertain significance for Cardiovascular phenotype. Last evaluated: 2026-06-12. Review status: criteria provided, single submitter. Criteria: Ambry Variant Classification Scheme 2023. Collection method: clinical testing. Allele origin: germline.
Comment: The p.T369N variant (also known as c.1106C>A), located in coding exon 8 of the ENG gene, results from a C to A substitution at nucleotide position 1106. The threonine at codon 369 is replaced by asparagine, an amino acid with similar properties. This amino acid position is conserved. In addition, this alteration is predicted to be tolerated by in silico analysis. Based on the available evidence, the clinical significance of this variant remains unclear.

NM_001114753.3(ENG):c.1106C>A (p.Thr369Asn)

Gene: ENG (endoglin; minus strand). Cytogenetic location: 9q34.11.
Variant type: single nucleotide variant.
Coding change: c.1106C>A on transcript NM_001114753.3 (MANE Select); coding-DNA position 1106, C replaced by A.
Protein change: p.Thr369Asn; replaces threonine 369 with asparagine.
Molecular consequence: missense variant.
Genome position (GRCh38, 1-based): chr9:127,824,332, G>T on the plus strand (C>A on the coding strand, the complement: ENG is on the minus strand). VCF-style: chr9-127824332-G-T. GRCh37 (hg19) VCF-style: chr9-130586611-G-T.
Other names: c.1106C>A, p.Thr369Asn (NM_000118.4, NM_001406715.1); c.560C>A, p.Thr187Asn (NM_001278138.2); short protein forms T187N, T369N.
Identifiers: ClinVar variation 4870487 (VCV004870487.1).